The following is an entry in ClinVar:

NM_007294.4(BRCA1):c.2902C>A (p.Pro968Thr)

Gene: BRCA1 (BRCA1 DNA repair associated; minus strand). Cytogenetic location: 17q21.31.
Variant type: single nucleotide variant.
Coding change: c.2902C>A on transcript NM_007294.4 (MANE Select); coding-DNA position 2902, C replaced by A.
Protein change: p.Pro968Thr; replaces proline 968 with threonine.
Molecular consequence: missense variant. On other transcripts: intron variant (137).
Genome position (GRCh38, 1-based): chr17:43,092,629, G>T on the plus strand (C>A on the coding strand, the complement: BRCA1 is on the minus strand). VCF-style: chr17-43092629-G-T. GRCh37 (hg19) VCF-style: chr17-41244646-G-T.
Other names: c.2689C>A, p.Pro897Thr (NM_001407571.1, NM_001407853.1, NM_001407894.1 and 9 more transcripts); c.2902C>A, p.Pro968Thr (NM_001407581.1, NM_007300.4, NM_001407582.1 and 30 more transcripts); c.2569C>A, p.Pro857Thr (NM_001407948.1, NM_001407949.1, NM_001407950.1 and 6 more transcripts); c.2566C>A, p.Pro856Thr (NM_001407954.1, NM_001407955.1, NM_001407956.1 and 1 more transcripts); c.2521C>A, p.Pro841Thr (NM_001407959.1, NM_001407960.1, NM_001407963.1); c.2518C>A, p.Pro840Thr (NM_001407962.1); c.2758C>A, p.Pro920Thr (NM_001407964.1, NM_001407740.1, NM_001407741.1 and 20 more transcripts); c.2398C>A, p.Pro800Thr (NM_001407965.1); and 41 more; short protein forms P897T, P901T, P920T, P965T, P968T, P856T, P880T, P926T.
Identifiers: ClinVar variation 3634659 (VCV003634659.2).

ClinVar aggregate classification (germline): Uncertain significance (1 of 4 stars; one submission).

Conditions:
Hereditary breast ovarian cancer syndrome. Also called: Hereditary breast and ovarian cancer syndrome; Hereditary breast and ovarian cancer syndrome (HBOC); BRCA1- and BRCA2-Associated Hereditary Breast and Ovarian Cancer; Hereditary breast and ovarian cancer; Breast and ovarian cancer; Hereditary breast and/or ovarian cancer syndrome. Identifiers: Orphanet 145, MedGen C0677776, MeSH D061325, MONDO:0003582. Disease mechanism: loss of function.

Submission:

Labcorp Genetics (formerly Invitae), Labcorp
Classification: Uncertain significance for Hereditary breast ovarian cancer syndrome. Last evaluated: 2025-01-23. Review status: criteria provided, single submitter. Criteria: Invitae Variant Classification Sherloc (09022015). Collection method: clinical testing. Allele origin: germline.
Comment: This sequence change replaces proline, which is neutral and non-polar, with threonine, which is neutral and polar, at codon 968 of the BRCA1 protein (p.Pro968Thr). This variant is not present in population databases (gnomAD no frequency). This variant has not been reported in the literature in individuals affected with BRCA1-related conditions. Invitae Evidence Modeling of protein sequence and biophysical properties (such as structural, functional, and spatial information, amino acid conservation, physicochemical variation, residue mobility, and thermodynamic stability) indicates that this missense variant is not expected to disrupt BRCA1 protein function with a negative predictive value of 80%. In summary, the available evidence is currently insufficient to determine the role of this variant in disease. Therefore, it has been classified as a Variant of Uncertain Significance.